The following is an entry in ClinVar:

ClinVar aggregate classification (germline): Uncertain significance (1 of 4 stars; one submission).

Conditions:
Evans syndrome, immunodeficiency, and premature immunosenescence associated with tripeptidyl-peptidase II deficiency. Identifiers: MedGen CN231723. Disease mechanism: loss of function.

Allele frequency attached by ClinVar (database versions not stated): ExAC 0.00001; gnomAD 0.00001; gnomAD exomes 0.00001; TOPMed 0.00001.
gnomAD v4.1: 10 of 1,613,794 alleles (0.00062%); highest among the groups gnomAD compares: Non-Finnish European, 0.00068%; no homozygotes.

Submission:

Labcorp Genetics (formerly Invitae), Labcorp
Classification: Uncertain significance for Evans syndrome, immunodeficiency, and premature immunosenescence associated with tripeptidyl-peptidase II deficiency. Last evaluated: 2022-12-12. Review status: criteria provided, single submitter. Criteria: Invitae Variant Classification Sherloc (09022015). Collection method: clinical testing. Allele origin: germline.
Comment: In summary, the available evidence is currently insufficient to determine the role of this variant in disease. Therefore, it has been classified as a Variant of Uncertain Significance. Algorithms developed to predict the effect of missense changes on protein structure and function are either unavailable or do not agree on the potential impact of this missense change (SIFT: "Tolerated"; PolyPhen-2: "Probably Damaging"; Align-GVGD: "Class C0"). This variant has not been reported in the literature in individuals affected with TPP2-related conditions. This variant is present in population databases (rs773851239, gnomAD 0.002%). This sequence change replaces proline, which is neutral and non-polar, with serine, which is neutral and polar, at codon 191 of the TPP2 protein (p.Pro191Ser).

NM_001330588.2(TPP2):c.571C>T (p.Pro191Ser)

Gene: TPP2 (tripeptidyl peptidase 2; plus strand). Cytogenetic location: 13q33.1.
Variant type: single nucleotide variant.
Coding change: c.571C>T on transcript NM_001330588.2 (MANE Select); coding-DNA position 571, C replaced by T.
Protein change: p.Pro191Ser; replaces proline 191 with serine.
Molecular consequence: missense variant. On other transcripts: non-coding transcript variant (1).
Genome position (GRCh38, 1-based): chr13:102,618,797, C>T. VCF-style: chr13-102618797-C-T. GRCh37 (hg19) VCF-style: chr13-103271147-C-T.
Other names: c.571C>T, p.Pro191Ser (NM_001367947.1, NM_003291.4); short protein forms P191S.
Identifiers: ClinVar variation 2895306 (VCV002895306.1), dbSNP rs773851239, ClinGen allele CA7037549.